The following is an entry in ClinVar:

ClinVar aggregate classification (germline): Benign. Review status: criteria provided, multiple submitters, no conflicts (2 of 4 stars). 2 submissions from 2 submitters: Benign (2). Last evaluated 2018-01-13.

Conditions:
Majeed syndrome (MJDS). Also called: CHRONIC RECURRENT MULTIFOCAL OSTEOMYELITIS 1, WITH CONGENITAL DYSERYTHROPOIETIC ANEMIA, WITH OR WITHOUT NEUTROPHILIC DERMATOSIS; LPIN2-Related Majeed Syndrome. Identifiers: Orphanet 77297, MedGen C1864997, MONDO:0012316, OMIM 609628.

Allele frequency attached by ClinVar (database versions not stated): TOPMed 0.48804; gnomAD exomes 0.50000; gnomAD 0.50276 and 0.51090; 1000 Genomes Project 30x 0.53498; 1000 Genomes Project 0.54553.
gnomAD v4.1: 77,464 of 151,028 alleles (51%); highest among the groups gnomAD compares: East Asian, 78%; 21,305 homozygotes.

Submissions (2):

Illumina Laboratory Services, Illumina
Classification: Benign for Majeed syndrome. Last evaluated: 2018-01-13. Review status: criteria provided, single submitter. Criteria: ICSL Variant Classification Criteria 13 December 2019. Collection method: clinical testing. Allele origin: germline.
Comment: This variant was observed in the ICSL laboratory as part of a predisposition screen in an ostensibly healthy population. It had not been previously curated by ICSL or reported in the Human Gene Mutation Database (HGMD: prior to June 1st, 2018), and was therefore a candidate for classification through an automated scoring system. Utilizing variant allele frequency, disease prevalence and penetrance estimates, and inheritance mode, an automated score was calculated to assess if this variant is too frequent to cause the disease. Based on the score and internal cut-off values, a variant classified as benign is not then subjected to further curation. The score for this variant resulted in a classification of benign for this disease.

Breakthrough Genomics
Classification: Benign. Review status: criteria provided, single submitter. Criteria: ACMG Guidelines, 2015. Collection method: not provided. Allele origin: germline. Inheritance: Unknown mechanism. Affected: yes.

NM_001375808.2(LPIN2):c.*2934C>T

Gene: LPIN2 (lipin 2; minus strand). Cytogenetic location: 18p11.31.
Variant type: single nucleotide variant.
Coding change: c.*2934C>T on transcript NM_001375808.2 (MANE Select); 2934 bases downstream of the stop codon, C replaced by T.
Molecular consequence: 3 prime UTR variant.
Genome position (GRCh38, 1-based): chr18:2,917,359, G>A on the plus strand (C>T on the coding strand, the complement: LPIN2 is on the minus strand). VCF-style: chr18-2917359-G-A. GRCh37 (hg19) VCF-style: chr18-2917357-G-A.
Other names: c.*2934C>T (NM_001375809.1, NM_014646.2).
Identifiers: ClinVar variation 326550 (VCV000326550.6), dbSNP rs7980, ClinGen allele CA10650635.